The following is an entry in ClinVar:

ClinVar aggregate classification (germline): Uncertain significance. Review status: criteria provided, multiple submitters, no conflicts (2 of 4 stars). 5 submissions from 5 submitters: Uncertain significance (4). 1 of the submissions does not count toward it. Last evaluated 2026-05-28.

Conditions:
Familial thoracic aortic aneurysm and aortic dissection (TAAD). Also called: Thoracic aortic aneurysms and dissections. Identifiers: Orphanet 91387, MedGen C4707243, MONDO:0019625.
Marfan syndrome (MFS). Also called: Marfan syndrome, classic; Marfan syndrome type 1; Marfan's syndrome; FBN1-Related Marfan Syndrome; MARFAN SYNDROME, TYPE I. Identifiers: Orphanet 284963, Orphanet 558, MedGen C0024796, MONDO:0007947, OMIM 154700.
FBN1-related disorder. Also called: FBN1-related disorders.

Allele frequency attached by ClinVar (database versions not stated): gnomAD exomes below 0.00001; gnomAD 0.00001; TOPMed 0.00001.
gnomAD v4.1: 5 of 1,613,122 alleles (0.00031%); highest among the groups gnomAD compares: Non-Finnish European, 0.00042%; no homozygotes.

Submissions (5):

Ambry Genetics
Classification: Uncertain significance for Familial thoracic aortic aneurysm and aortic dissection. Last evaluated: 2026-05-28. Review status: criteria provided, single submitter. Criteria: Ambry Variant Classification Scheme 2023. Collection method: clinical testing. Allele origin: germline.
Comment: The p.S61P variant (also known as c.181T>C), located in coding exon 2 of the FBN1 gene, results from a T to C substitution at nucleotide position 181. The serine at codon 61 is replaced by proline, an amino acid with similar properties. This amino acid position is conserved. In addition, this alteration is predicted to be deleterious by in silico analysis. Based on the available evidence, the clinical significance of this variant remains unclear.

Labcorp Genetics (formerly Invitae), Labcorp
Classification: Uncertain significance for Marfan syndrome; Familial thoracic aortic aneurysm and aortic dissection. Last evaluated: 2025-09-30. Review status: criteria provided, single submitter. Criteria: Invitae Variant Classification Sherloc (09022015). Collection method: clinical testing. Allele origin: germline.
Comment: This sequence change replaces serine, which is neutral and polar, with proline, which is neutral and non-polar, at codon 61 of the FBN1 protein (p.Ser61Pro). This variant is not present in population databases (gnomAD no frequency). This variant has not been reported in the literature in individuals affected with FBN1-related conditions. ClinVar contains an entry for this variant (Variation ID: 924289). Invitae Evidence Modeling of protein sequence and biophysical properties (such as structural, functional, and spatial information, amino acid conservation, physicochemical variation, residue mobility, and thermodynamic stability) indicates that this missense variant is expected to disrupt FBN1 protein function with a positive predictive value of 95%. In summary, the available evidence is currently insufficient to determine the role of this variant in disease. Therefore, it has been classified as a Variant of Uncertain Significance.

Color Diagnostics, LLC DBA Color Health
Classification: Uncertain significance for Familial thoracic aortic aneurysm and aortic dissection. Last evaluated: 2023-12-04. Review status: criteria provided, single submitter. Criteria: ACMG Guidelines, 2015. Collection method: clinical testing. Allele origin: germline.
Comment: Variant of Uncertain Significance due to insufficient evidence: This missense variant replaces serine with proline at codon 61 of the FBN1 protein. Computational prediction tools and conservation analyses are inconclusive regarding the impact of this variant on the protein function. Computational splicing tools suggest that this variant may not impact RNA splicing. To our knowledge, functional assays have not been performed for this variant nor has this variant been reported in individuals affected with cardiovascular disorders in the literature. This variant is rare in the general population and has been identified in 0/277264 chromosomes by the Genome Aggregation Database (gnomAD). Available evidence is insufficient to determine the pathogenicity of this variant conclusively.

All of Us Research Program, National Institutes of Health
Classification: Uncertain significance for Marfan syndrome. Last evaluated: 2023-03-04. Review status: criteria provided, single submitter. Criteria: ACMG Guidelines, 2015. Collection method: clinical testing. Allele origin: germline. Inheritance: Autosomal dominant inheritance. Observed: 1 variant allele, 1 heterozygote.
Comment: Variant of Uncertain Significance due to insufficient evidence: This missense variant replaces serine with proline at codon 61 of the FBN1 protein. Computational prediction tools and conservation analyses are inconclusive regarding the impact of this variant on the protein function. Computational splicing tools suggest that this variant may not impact RNA splicing. To our knowledge, functional assays have not been performed for this variant nor has this variant been reported in individuals affected with cardiovascular disorders in the literature. This variant is rare in the general population and has been identified in 0/277264 chromosomes by the Genome Aggregation Database (gnomAD). Available evidence is insufficient to determine the pathogenicity of this variant conclusively.

This study involves interpretation of variants in research participants for the purpose of population health screening. Participant phenotype was not available at the time of variant classification. Additional details can be found in publication PMID: 35346344, PMCID: PMC8962531

PreventionGenetics, part of Exact Sciences
Classification: Uncertain significance for FBN1-related condition. Last evaluated: 2024-08-09. Review status: no assertion criteria provided. Collection method: clinical testing. Allele origin: germline. Not counted in ClinVar's aggregate classification.
Comment: The FBN1 c.181T>C variant is predicted to result in the amino acid substitution p.Ser61Pro. To our knowledge, this variant has not been reported in the literature or in a large population database, indicating this variant is rare. At this time, the clinical significance of this variant is uncertain due to the absence of conclusive functional and genetic evidence.

NM_000138.5(FBN1):c.181T>C (p.Ser61Pro)

Gene: FBN1 (fibrillin 1; minus strand). Cytogenetic location: 15q21.1.
Variant type: single nucleotide variant.
Coding change: c.181T>C on transcript NM_000138.5 (MANE Select); coding-DNA position 181, T replaced by C.
Protein change: p.Ser61Pro; replaces serine 61 with proline.
Molecular consequence: missense variant.
Genome position (GRCh38, 1-based): chr15:48,613,076, A>G on the plus strand (T>C on the coding strand, the complement: FBN1 is on the minus strand). VCF-style: chr15-48613076-A-G. GRCh37 (hg19) VCF-style: chr15-48905273-A-G.
Other names: short protein forms S61P.
Identifiers: ClinVar variation 924289 (VCV000924289.10), dbSNP rs1166519673, ClinGen allele CA392448501.